The following is an entry in ClinVar:

NM_006186.4(NR4A2):c.732C>A (p.Leu244=)

Gene: NR4A2 (nuclear receptor subfamily 4 group A member 2; minus strand). Cytogenetic location: 2q24.1.
Variant type: single nucleotide variant.
Coding change: c.732C>A on transcript NM_006186.4 (MANE Select); coding-DNA position 732, C replaced by A.
Protein change: p.Leu244=; no amino-acid change (leucine 244 retained).
Molecular consequence: synonymous variant.
Genome position (GRCh38, 1-based): chr2:156,329,455, G>T on the plus strand (C>A on the coding strand, the complement: NR4A2 is on the minus strand). VCF-style: chr2-156329455-G-T. GRCh37 (hg19) VCF-style: chr2-157185967-G-T.
Other names: c.543C>A, p.Leu181= (NM_173173.3).
Identifiers: ClinVar variation 331661 (VCV000331661.34), dbSNP rs16840266, ClinGen allele CA1916390.

ClinVar aggregate classification (germline): Benign/Likely benign. Review status: criteria provided, multiple submitters, no conflicts (2 of 4 stars). 4 submissions from 4 submitters: Benign (1); Likely benign (2). 1 of the submissions does not count toward it. Last evaluated 2026-05-01.

Conditions:
NR4A2-related disorder. Also called: NR4A2-related condition.
Parkinson disease, late-onset (PD). Also called: Susceptibility to Parkinson's Disease; Hereditary late onset Parkinson disease; PARKINSON DISEASE, LATE-ONSET, SUSCEPTIBILITY TO. Identifiers: Orphanet 411602, MedGen C3160718, MONDO:0008199, OMIM 168600.

Allele frequency attached by ClinVar (database versions not stated): ESP Exome Variant Server 0.00062; TOPMed 0.00063; gnomAD exomes 0.00102; gnomAD 0.00104 and 0.00110; ExAC 0.00120.
gnomAD v4.1: 1,350 of 1,608,200 alleles (0.084%); highest among the groups gnomAD compares: Non-Finnish European, 0.086%; 11 homozygotes.

Submissions (4):

CeGaT Center for Human Genetics Tuebingen
Classification: Likely benign. Last evaluated: 2026-05-01. Review status: criteria provided, single submitter. Criteria: CeGaT Center For Human Genetics Tuebingen Variant Classification Criteria Version 2. Collection method: clinical testing. Allele origin: germline. Affected: yes. Observed: 14 variant alleles.
Comment: NR4A2: BP4, BP7

Labcorp Genetics (formerly Invitae), Labcorp
Classification: Benign. Last evaluated: 2019-12-31. Review status: criteria provided, single submitter. Criteria: Invitae Variant Classification Sherloc (09022015). Collection method: clinical testing. Allele origin: germline.

Illumina Laboratory Services, Illumina
Classification: Likely benign for Parkinson disease, late-onset. Last evaluated: 2017-04-27. Review status: criteria provided, single submitter. Criteria: ICSL Variant Classification Criteria 13 December 2019. Collection method: clinical testing. Allele origin: germline.
Comment: This variant was observed as part of a predisposition screen in an ostensibly healthy population. A literature search was performed for the gene, cDNA change, and amino acid change (where applicable). Publications were found based on this search. The evidence from the literature, in combination with allele frequency data from public databases where available, was sufficient to determine this variant is unlikely to cause disease. Therefore, this variant is classified as likely benign.

PreventionGenetics, part of Exact Sciences
Classification: Likely benign for NR4A2-related condition. Last evaluated: 2024-02-08. Review status: no assertion criteria provided. Collection method: clinical testing. Allele origin: germline. Not counted in ClinVar's aggregate classification.
Comment: This variant is classified as likely benign based on ACMG/AMP sequence variant interpretation guidelines (Richards et al. 2015 PMID: 25741868, with internal and published modifications).

Literature cited by the submitters: PubMed 23066323 (cited by Illumina Laboratory Services, Illumina).